The following is an entry in ClinVar:

NM_014009.4(FOXP3):c.272A>C (p.His91Pro)

Gene: FOXP3 (forkhead box P3; minus strand). Cytogenetic location: Xp11.23.
Variant type: single nucleotide variant.
Coding change: c.272A>C on transcript NM_014009.4 (MANE Select); coding-DNA position 272, A replaced by C.
Protein change: p.His91Pro; replaces histidine 91 with proline.
Molecular consequence: missense variant. On other transcripts: intron variant (1).
Genome position (GRCh38, 1-based): chrX:49,257,707, T>G on the plus strand (A>C on the coding strand, the complement: FOXP3 is on the minus strand). VCF-style: chrX-49257707-T-G. GRCh37 (hg19) VCF-style: chrX-49114164-T-G.
Other names: c.211-142A>C (NM_001114377.2); short protein forms H91P.
Identifiers: ClinVar variation 3718316 (VCV003718316.2).

ClinVar aggregate classification (germline): Uncertain significance (1 of 4 stars; one submission).

Conditions:
Insulin-dependent diabetes mellitus secretory diarrhea syndrome (IPEX). Also called: IMMUNODEFICIENCY, POLYENDOCRINOPATHY, AND ENTEROPATHY, X-LINKED; Immunodysregulation, polyendocrinopathy, and enteropathy, X-linked; Immunodeficiency, Polyendocrinopathy, and Enteropathy X-Linked Syndrome; X-Linked Syndrome of Polyendocrinopathy, Immune Dysfunction, and Diarrhea; DIABETES MELLITUS, CONGENITAL INSULIN-DEPENDENT, WITH FATAL SECRETORY DIARRHEA; DIARRHEA, POLYENDOCRINOPATHY, FATAL INFECTION SYNDROME, X-LINKED. Identifiers: Orphanet 37042, MedGen C0342288, MONDO:0010580, OMIM 304790. Disease mechanism: loss of function.

gnomAD v4.1: 9 of 1,180,876 alleles (0.00076%); highest among the groups gnomAD compares: Non-Finnish European, 0.001%; no homozygotes.

Submission:

Labcorp Genetics (formerly Invitae), Labcorp
Classification: Uncertain significance for Insulin-dependent diabetes mellitus secretory diarrhea syndrome. Last evaluated: 2025-01-28. Review status: criteria provided, single submitter. Criteria: Invitae Variant Classification Sherloc (09022015). Collection method: clinical testing. Allele origin: germline.
Comment: This sequence change replaces histidine, which is basic and polar, with proline, which is neutral and non-polar, at codon 91 of the FOXP3 protein (p.His91Pro). This variant is not present in population databases (gnomAD no frequency). This variant has not been reported in the literature in individuals affected with FOXP3-related conditions. Invitae Evidence Modeling of protein sequence and biophysical properties (such as structural, functional, and spatial information, amino acid conservation, physicochemical variation, residue mobility, and thermodynamic stability) indicates that this missense variant is not expected to disrupt FOXP3 protein function with a negative predictive value of 80%. In summary, the available evidence is currently insufficient to determine the role of this variant in disease. Therefore, it has been classified as a Variant of Uncertain Significance.